The following is an entry in ClinVar:

NM_000143.4(FH):c.989C>T (p.Thr330Ile)

Gene: FH (fumarate hydratase; minus strand). Cytogenetic location: 1q43.
Variant type: single nucleotide variant.
Coding change: c.989C>T on transcript NM_000143.4 (MANE Select); coding-DNA position 989, C replaced by T.
Protein change: p.Thr330Ile; replaces threonine 330 with isoleucine.
Molecular consequence: missense variant.
Genome position (GRCh38, 1-based): chr1:241,504,161, G>A on the plus strand (C>T on the coding strand, the complement: FH is on the minus strand). VCF-style: chr1-241504161-G-A. GRCh37 (hg19) VCF-style: chr1-241667461-G-A.
Other names: short protein forms T330I.
Identifiers: ClinVar variation 1437249 (VCV001437249.8), dbSNP rs200028270, ClinGen allele CA345438271.

ClinVar aggregate classification (germline): Uncertain significance (1 of 4 stars; one submission).

Submission:

Labcorp Genetics (formerly Invitae), Labcorp
Classification: Uncertain significance. Last evaluated: 2021-03-24. Review status: criteria provided, single submitter. Criteria: Invitae Variant Classification Sherloc (09022015). Collection method: clinical testing. Allele origin: germline.
Comment: In summary, the available evidence is currently insufficient to determine the role of this variant in disease. Therefore, it has been classified as a Variant of Uncertain Significance. This sequence change replaces threonine with isoleucine at codon 330 of the FH protein (p.Thr330Ile). The threonine residue is highly conserved and there is a moderate physicochemical difference between threonine and isoleucine. This variant is not present in population databases (ExAC no frequency). This variant has not been reported in the literature in individuals with FH-related conditions. Advanced modeling of protein sequence and biophysical properties (such as structural, functional, and spatial information, amino acid conservation, physicochemical variation, residue mobility, and thermodynamic stability) performed at Invitae indicates that this missense variant is expected to disrupt FH protein function.